The following is an entry in ClinVar:

ClinVar aggregate classification (germline): Conflicting classifications of pathogenicity. Review status: criteria provided, conflicting classifications (1 of 4 stars). 5 submissions from 5 submitters: Uncertain significance (2); Likely benign (2). 1 of the submissions does not count toward it. Last evaluated 2025-12-21.

Conditions:
OPHN1-related disorder.

Allele frequency attached by ClinVar (database versions not stated): gnomAD 0.00005; gnomAD exomes 0.00008; ESP Exome Variant Server 0.00009; ExAC 0.00011; TOPMed 0.00012; 1000 Genomes Project 30x 0.00021.
gnomAD v4.1: 199 of 1,150,597 alleles (0.017%); highest among the groups gnomAD compares: Non-Finnish European, 0.022%; no homozygotes.

Submissions (5):

Labcorp Genetics (formerly Invitae), Labcorp
Classification: Likely benign. Last evaluated: 2025-12-21. Review status: criteria provided, single submitter. Criteria: Invitae Variant Classification Sherloc (09022015). Collection method: clinical testing. Allele origin: germline.

Blueprint Genetics
Classification: Likely benign. Last evaluated: 2024-10-07. Review status: criteria provided, single submitter. Criteria: ACMG Guidelines, 2015. Collection method: clinical testing. Allele origin: germline.

Eurofins Ntd Llc (ga)
Classification: Uncertain significance. Last evaluated: 2016-12-15. Review status: criteria provided, single submitter. Criteria: EGL Classification Definitions 2015. Collection method: clinical testing. Allele origin: germline. Observed: 2 variant alleles, 2 hemizygotes.

Genetic Services Laboratory, University of Chicago
Classification: Uncertain significance. Last evaluated: 2015-06-04. Review status: criteria provided, single submitter. Criteria: ACMG Guidelines, 2015. Collection method: clinical testing. Allele origin: germline.

PreventionGenetics, part of Exact Sciences
Classification: Likely benign for OPHN1-related condition. Last evaluated: 2019-09-05. Review status: no assertion criteria provided. Collection method: clinical testing. Allele origin: germline. Not counted in ClinVar's aggregate classification.
Comment: This variant is classified as likely benign based on ACMG/AMP sequence variant interpretation guidelines (Richards et al. 2015 PMID: 25741868, with internal and published modifications).

NM_002547.3(OPHN1):c.702+8T>C

Gene: OPHN1 (oligophrenin 1; minus strand). Cytogenetic location: Xq12.
Variant type: single nucleotide variant.
Coding change: c.702+8T>C on transcript NM_002547.3 (MANE Select); 8 bases into the intron after coding-DNA position 702, T replaced by C.
Molecular consequence: intron variant.
Genome position (GRCh38, 1-based): chrX:68,212,100, A>G on the plus strand (T>C on the coding strand, the complement: OPHN1 is on the minus strand). VCF-style: chrX-68212100-A-G. GRCh37 (hg19) VCF-style: chrX-67431942-A-G.
Identifiers: ClinVar variation 211795 (VCV000211795.21), dbSNP rs369382527, ClinGen allele CA206099.